The following is an entry in ClinVar:

NM_001267550.2(TTN):c.8674G>C (p.Glu2892Gln)

Gene: TTN (titin; minus strand). Cytogenetic location: 2q31.2.
Variant type: single nucleotide variant.
Coding change: c.8674G>C on transcript NM_001267550.2 (MANE Select); coding-DNA position 8674, G replaced by C.
Protein change: p.Glu2892Gln; replaces glutamic acid 2892 with glutamine.
Molecular consequence: missense variant.
Genome position (GRCh38, 1-based): chr2:178,769,907, C>G on the plus strand (G>C on the coding strand, the complement: TTN is on the minus strand). VCF-style: chr2-178769907-C-G. GRCh37 (hg19) VCF-style: chr2-179634634-C-G.
Other names: c.8674G>C, p.Glu2892Gln (NM_001256850.1, NM_133378.4, NM_133379.5); c.8536G>C, p.Glu2846Gln (NM_003319.4, NM_133432.3, NM_133437.4); c.8674G>C (NM_001267550.1); short protein forms E2846Q, E2892Q.
Identifiers: ClinVar variation 978736 (VCV000978736.6), dbSNP rs763393324, ClinGen allele CA61003428.

ClinVar aggregate classification (germline): Uncertain significance. Review status: criteria provided, multiple submitters, no conflicts (2 of 4 stars). 3 submissions from 3 submitters: Uncertain significance (3). Last evaluated 2026-09-20.

Conditions:
Hypertrophic cardiomyopathy. Also called: HYPERTROPHIC MYOCARDIOPATHY. Identifiers: Orphanet 217569, MedGen C0007194, MeSH D002312, MONDO:0005045, HP:0001639.

gnomAD v4.1: 2 of 1,613,778 alleles (0.00012%); highest among the groups gnomAD compares: African/African-American, 0.0013%; no homozygotes.

Submissions (3):

GeneDx
Classification: Uncertain significance. Last evaluated: 2026-09-20. Review status: criteria provided, single submitter. Criteria: GeneDx Variant Classification Process June 2021. Collection method: clinical testing. Allele origin: germline.
Comment: Not observed at significant frequency in large population cohorts (gnomAD); In silico analysis suggests this variant may impact gene splicing; in the absence of RNA/functional studies, the actual effect of this sequence change is unknown; Has not been previously published as pathogenic or benign to our knowledge

Revvity Omics, Revvity
Classification: Uncertain significance. Last evaluated: 2024-05-23. Review status: criteria provided, single submitter. Criteria: ACMG Guidelines, 2015. Collection method: clinical testing. Allele origin: germline.

Genetics and Genomics Program, Sidra Medicine
Classification: Uncertain significance for Hypertrophic cardiomyopathy. Review status: criteria provided, single submitter. Criteria: ACMG Guidelines, 2015. Collection method: research. Allele origin: unknown. Affected: yes. Observed: 1 variant allele.